The following is an entry in ClinVar:

ClinVar aggregate classification (germline): Uncertain significance. Review status: criteria provided, multiple submitters, no conflicts (2 of 4 stars). 2 submissions from 2 submitters: Uncertain significance (2). Last evaluated 2025-11-03.

Conditions:
Ellis-van Creveld syndrome (EVC). Also called: Chondroectodermal dysplasia; EVC-Related Ellis-van Creveld Syndrome; EVC2-Related Ellis-van Creveld Syndrome; MESOECTODERMAL DYSPLASIA. Identifiers: Orphanet 289, MedGen C0013903, MONDO:0009162, OMIM 225500.
Curry-Hall syndrome (WAD). Also called: WEYERS ACRODENTAL DYSOSTOSIS. Identifiers: Orphanet 952, MedGen C0457013, MONDO:0008673, OMIM 193530.

Submissions (2):

Women's Health and Genetics/Laboratory Corporation of America, LabCorp
Classification: Uncertain significance. Last evaluated: 2025-11-03. Review status: criteria provided, single submitter. Criteria: LabCorp Variant Classification Summary - May 2015. Collection method: clinical testing. Allele origin: germline.
Comment: Variant summary: EVC c.1727G>T (p.Arg576Leu) results in a non-conservative amino acid change in the encoded protein sequence. Algorithms developed to predict the effect of missense changes on protein structure and function are either unavailable or do not agree on the potential impact of this missense change. The variant allele was found at a frequency of 2.4e-05 in 250448 control chromosomes. The available data on variant occurrences in the general population are insufficient to allow any conclusion about variant significance. To our knowledge, no occurrence of c.1727G>T in individuals affected with EVC-related conditions and no experimental evidence demonstrating its impact on protein function have been reported. ClinVar contains an entry for this variant (Variation ID: 1381865). Based on the evidence outlined above, the variant was classified as uncertain significance.

Labcorp Genetics (formerly Invitae), Labcorp
Classification: Uncertain significance for Curry-Hall syndrome; Ellis-van Creveld syndrome. Last evaluated: 2021-12-12. Review status: criteria provided, single submitter. Criteria: Invitae Variant Classification Sherloc (09022015). Collection method: clinical testing. Allele origin: germline.
Comment: This sequence change replaces arginine, which is basic and polar, with leucine, which is neutral and non-polar, at codon 576 of the EVC protein (p.Arg576Leu). This variant is present in population databases (rs1383180, gnomAD 0.02%). This variant has not been reported in the literature in individuals affected with EVC-related conditions. Algorithms developed to predict the effect of missense changes on protein structure and function are either unavailable or do not agree on the potential impact of this missense change (SIFT: "Tolerated"; PolyPhen-2: "Probably Damaging"; Align-GVGD: "Class C0"). In summary, the available evidence is currently insufficient to determine the role of this variant in disease. Therefore, it has been classified as a Variant of Uncertain Significance.

NM_153717.3(EVC):c.1727G>T (p.Arg576Leu)

Gene: EVC (EvC ciliary complex subunit 1; plus strand). Cytogenetic location: 4p16.2.
Variant type: single nucleotide variant.
Coding change: c.1727G>T on transcript NM_153717.3 (MANE Select); coding-DNA position 1727, G replaced by T.
Protein change: p.Arg576Leu; replaces arginine 576 with leucine.
Molecular consequence: missense variant.
Genome position (GRCh38, 1-based): chr4:5,783,715, G>T. VCF-style: chr4-5783715-G-T. GRCh37 (hg19) VCF-style: chr4-5785442-G-T.
Other names: c.1727G>T, p.Arg576Leu (NM_001306090.2); short protein forms R576L.
Identifiers: ClinVar variation 1381865 (VCV001381865.5), dbSNP rs1383180, ClinGen allele CA2836238.